The following is an entry in ClinVar:

ClinVar aggregate classification (germline): Conflicting classifications of pathogenicity. Review status: criteria provided, conflicting classifications (1 of 4 stars). 2 submissions from 2 submitters: Uncertain significance (1); Benign (1). Last evaluated 2026-06-22.

Conditions:
TRRAP-related disorder. Also called: TRRAP-related condition.

Allele frequency attached by ClinVar (database versions not stated): gnomAD 0.00002; TOPMed 0.00001; ExAC 0.00002.
gnomAD v4.1: 36 of 1,614,066 alleles (0.0022%); highest among the groups gnomAD compares: Non-Finnish European, 0.0028%; no homozygotes.

Submissions (2):

PreventionGenetics, part of Exact Sciences
Classification: Uncertain significance for TRRAP-related condition. Last evaluated: 2026-06-22. Review status: criteria provided, single submitter. Criteria: ACMG Guidelines, 2015. Collection method: clinical testing. Allele origin: germline.
Comment: The TRRAP c.9691G>A variant is predicted to result in the amino acid substitution p.Val3231Met. To our knowledge, this variant has not been reported in the literature. This variant is reported in 0.0031% of alleles in individuals of European (Non-Finnish) descent in gnomAD. At this time, the clinical significance of this variant is uncertain due to the absence of conclusive functional and genetic evidence.

Labcorp Genetics (formerly Invitae), Labcorp
Classification: Benign. Last evaluated: 2024-03-24. Review status: criteria provided, single submitter. Criteria: Invitae Variant Classification Sherloc (09022015). Collection method: clinical testing. Allele origin: germline.

NM_001375524.1(TRRAP):c.9766G>A (p.Val3256Met)

Gene: TRRAP (transformation/transcription domain associated protein; plus strand). Cytogenetic location: 7q22.1.
Variant type: single nucleotide variant.
Coding change: c.9766G>A on transcript NM_001375524.1 (MANE Select); coding-DNA position 9766, G replaced by A.
Protein change: p.Val3256Met; replaces valine 3256 with methionine.
Molecular consequence: missense variant.
Genome position (GRCh38, 1-based): chr7:98,992,146, G>A. VCF-style: chr7-98992146-G-A. GRCh37 (hg19) VCF-style: chr7-98589769-G-A.
Other names: c.9691G>A (NM_003496.3); c.9778G>A, p.Val3260Met (NM_001244580.2); c.9691G>A, p.Val3231Met (NM_003496.4); short protein forms V3231M, V3256M, V3260M.
Identifiers: ClinVar variation 2427858 (VCV002427858.7), dbSNP rs762288980, ClinGen allele CA4361804.